The following is an entry in ClinVar:

NM_001231.5(CASQ1):c.17G>A (p.Arg6Lys)

Gene: CASQ1 (calsequestrin 1; plus strand). Cytogenetic location: 1q23.2.
Variant type: single nucleotide variant.
Coding change: c.17G>A on transcript NM_001231.5 (MANE Select); coding-DNA position 17, G replaced by A.
Protein change: p.Arg6Lys; replaces arginine 6 with lysine.
Molecular consequence: missense variant.
Genome position (GRCh38, 1-based): chr1:160,190,768, G>A. VCF-style: chr1-160190768-G-A. GRCh37 (hg19) VCF-style: chr1-160160558-G-A.
Other names: short protein forms R6K.
Identifiers: ClinVar variation 2984165 (VCV002984165.3), dbSNP rs1297517704, ClinGen allele CA343248819.

ClinVar aggregate classification (germline): Uncertain significance (1 of 4 stars; one submission).

Allele frequency attached by ClinVar (database versions not stated): gnomAD exomes below 0.00001.
gnomAD v4.1: 1 of 1,614,002 alleles (0.000062%); highest among the groups gnomAD compares: Non-Finnish European, 0.000085%; no homozygotes.

Submission:

Labcorp Genetics (formerly Invitae), Labcorp
Classification: Uncertain significance. Last evaluated: 2023-03-10. Review status: criteria provided, single submitter. Criteria: Invitae Variant Classification Sherloc (09022015). Collection method: clinical testing. Allele origin: germline.
Comment: This variant is present in population databases (no rsID available, gnomAD 0.0009%). This variant has not been reported in the literature in individuals affected with CASQ1-related conditions. An algorithm developed to predict the effect of missense changes on protein structure and function (PolyPhen-2) suggests that this variant is likely to be disruptive. In summary, the available evidence is currently insufficient to determine the role of this variant in disease. Therefore, it has been classified as a Variant of Uncertain Significance. This sequence change replaces arginine, which is basic and polar, with lysine, which is basic and polar, at codon 6 of the CASQ1 protein (p.Arg6Lys).